The following is an entry in ClinVar:

ClinVar aggregate classification (germline): Uncertain significance (1 of 4 stars; one submission).

Submission:

GeneDx
Classification: Uncertain significance. Last evaluated: 2023-06-11. Review status: criteria provided, single submitter. Criteria: GeneDx Variant Classification Process June 2021. Collection method: clinical testing. Allele origin: germline. Affected: yes.
Comment: Not observed at significant frequency in large population cohorts (gnomAD); In silico analysis supports that this missense variant has a deleterious effect on protein structure/function; Has not been previously published as pathogenic or benign to our knowledge

NM_021096.4(CACNA1I):c.842A>T (p.His281Leu)

Gene: CACNA1I (calcium voltage-gated channel subunit alpha1 I; plus strand). Cytogenetic location: 22q13.1.
Variant type: single nucleotide variant.
Coding change: c.842A>T on transcript NM_021096.4 (MANE Select); coding-DNA position 842, A replaced by T.
Protein change: p.His281Leu; replaces histidine 281 with leucine.
Molecular consequence: missense variant.
Genome position (GRCh38, 1-based): chr22:39,640,968, A>T. VCF-style: chr22-39640968-A-T. GRCh37 (hg19) VCF-style: chr22-40036973-A-T.
Other names: c.842A>T, p.His281Leu (NM_001003406.2); short protein forms H281L.
Identifiers: ClinVar variation 3343373 (VCV003343373.1).